The following is an entry in ClinVar:

ClinVar aggregate classification (germline): not provided (0 of 4 stars; one submission).

Conditions:
Familial long QT syndrome (RWS). Also called: Congenital long QT syndrome; VENTRICULAR FIBRILLATION WITH PROLONGED QT INTERVAL; Romano-Ward syndrome. Identifiers: Orphanet 768, MedGen C1141890, MONDO:0019171.

Submissions (2):

Cardiovascular Biomedical Research Unit, Royal Brompton & Harefield NHS Foundation Trust
No classification provided. Condition: Familial long QT syndrome. Review status: no classification provided. Collection method: literature only. Allele origin: germline.
Comment: This variant has been reported as associated with Long QT syndrome in the following publications (PMID:10973849;PMID:15051636). This is a literature report, and does not necessarily reflect the clinical interpretation of the Imperial College / Royal Brompton Cardiovascular Genetics laboratory.

Roden Lab, Vanderbilt University Medical Center
No classification provided (evidence only). Condition: Long QT syndrome 5. Review status: no classification provided. Collection method: in vitro. Allele origin: not applicable. Functional consequence: Effect on ion channel function. Not counted in ClinVar's aggregate classification.
ClinVar note: "not provided" was previously submitted as the classification for the variant. However, the classification appeared to be based only on an observation of functional data so it was converted to no classification on 2025-07-30.

Literature cited by the submitters: PubMed 10973849 (cited by Cardiovascular Biomedical Research Unit, Royal Brompton & Harefield NHS Foundation Trust); PubMed 15051636 (cited by Cardiovascular Biomedical Research Unit, Royal Brompton & Harefield NHS Foundation Trust); PubMed 22581653 (cited by Cardiovascular Biomedical Research Unit, Royal Brompton & Harefield NHS Foundation Trust).

NM_000219.6(KCNE1):c.379C>A (p.Pro127Thr)

Gene: KCNE1 (potassium voltage-gated channel subfamily E regulatory subunit 1; minus strand). Cytogenetic location: 21q22.12.
Variant type: single nucleotide variant.
Coding change: c.379C>A on transcript NM_000219.6 (MANE Select); coding-DNA position 379, C replaced by A.
Protein change: p.Pro127Thr; replaces proline 127 with threonine.
Molecular consequence: missense variant.
Genome position (GRCh38, 1-based): chr21:34,449,256, G>T on the plus strand (C>A on the coding strand, the complement: KCNE1 is on the minus strand). VCF-style: chr21-34449256-G-T. GRCh37 (hg19) VCF-style: chr21-35821554-G-T.
Other names: c.379C>A (LRG_290t1); c.379C>A, p.Pro127Thr (NM_001127668.4, NM_001127669.4, NM_001127670.4 and 4 more transcripts); short protein forms P127T.
Identifiers: ClinVar variation 132680 (VCV000132680.3), dbSNP rs199473647, ClinGen allele CA331964.